The following is an entry in ClinVar:

ClinVar aggregate classification (germline): Likely pathogenic. Review status: criteria provided, single submitter (1 of 4 stars). 2 submissions from 2 submitters: Likely pathogenic (1). 1 of the submissions does not count toward it. Last evaluated 2025-02-01.

Conditions:
Maple syrup urine disease type 1B (MSUD1B). Also called: MSUD type IB; MSUD type 3 (formerly); MSUD due to deficiency of e1-beta subunit of branched-chain alpha-keto acid dehydrogenase complex. Identifiers: MedGen C2930990, MONDO:0023692, OMIM 620698.

gnomAD v4.1: 1 of 1,614,154 alleles (0.000062%); highest among the groups gnomAD compares: Non-Finnish European, 0.000085%; no homozygotes.

Submissions (2):

CeGaT Center for Human Genetics Tuebingen
Classification: Likely pathogenic. Last evaluated: 2025-02-01. Review status: criteria provided, single submitter. Criteria: CeGaT Center For Human Genetics Tuebingen Variant Classification Criteria Version 2. Collection method: clinical testing. Allele origin: germline. Affected: yes. Observed: 1 variant allele.
Comment: BCKDHB: PM1, PM2, PM3:Supporting, PP3, PP4

Natera, Inc.
Classification: Uncertain significance for Maple syrup urine disease type 1B. Last evaluated: 2025-01-28. Review status: no assertion criteria provided. Collection method: clinical testing. Allele origin: germline. Not counted in ClinVar's aggregate classification.

NM_183050.4(BCKDHB):c.551C>T (p.Ser184Phe)

Gene: BCKDHB (branched chain keto acid dehydrogenase E1 subunit beta; plus strand). Cytogenetic location: 6q14.1.
Variant type: single nucleotide variant.
Coding change: c.551C>T on transcript NM_183050.4 (MANE Select); coding-DNA position 551, C replaced by T.
Protein change: p.Ser184Phe; replaces serine 184 with phenylalanine.
Molecular consequence: missense variant. On other transcripts: non-coding transcript variant (6).
Genome position (GRCh38, 1-based): chr6:80,168,948, C>T. VCF-style: chr6-80168948-C-T. GRCh37 (hg19) VCF-style: chr6-80878665-C-T.
Other names: c.551C>T, p.Ser184Phe (NM_000056.5, NM_001424035.1, NM_001424036.1 and 8 more transcripts); c.341C>T, p.Ser114Phe (NM_001318975.1, NM_001424043.1); c.551C>T (NM_183050.3); short protein forms S114F, S184F.
Identifiers: ClinVar variation 3772597 (VCV003772597.14).